The following is an entry in ClinVar:

NM_178857.6(RP1L1):c.7203G>C (p.Ter2401Tyr)

Gene: RP1L1 (RP1 like 1). Cytogenetic location: 8p23.1.
Variant type: single nucleotide variant.
Coding change: c.7203G>C on transcript NM_178857.6 (MANE Select); coding-DNA position 7203, G replaced by C.
Protein change: p.Ter2401Tyr.
Molecular consequence: stop lost.
Genome position (GRCh38, 1-based): chr8:10,606,895, C>G on the plus strand (G>C on the coding strand, the complement: RP1L1 is on the minus strand). VCF-style: chr8-10606895-C-G. GRCh37 (hg19) VCF-style: chr8-10464405-C-G.
Identifiers: ClinVar variation 3027938 (VCV003027938.3), dbSNP rs143762729, ClinGen allele CA4623050.
Genomic context (GRCh38, chr8:10,606,895, plus strand): 5'-AAAAAATATGAATAAAAACAGAGCTCCCAAGCTCGTGATTGTTTTCTAGCTTGATCTTGT[C>G]TAGAAATCTAAGTCATCTTGGCCAAAGCCGTCTGCCCTGCCCACTGCCTCAGTGGGGGCG-3'

ClinVar aggregate classification (germline): Conflicting classifications of pathogenicity. Review status: criteria provided, conflicting classifications (1 of 4 stars). 3 submissions from 3 submitters: Uncertain significance (2); Likely benign (1). Last evaluated 2026-06-22.

Conditions:
Retinal dystrophy. Also called: Inherited retinal dystrophy. Identifiers: Orphanet 71862, MedGen C0854723, MeSH D058499, MONDO:0019118, HP:0000556.
RP1L1-related disorder. Also called: RP1L1-related condition.

Allele frequency attached by ClinVar (database versions not stated): 1000 Genomes Project 30x 0.00094; 1000 Genomes Project 0.00100.

Submissions (3):

PreventionGenetics, part of Exact Sciences
Classification: Likely benign for RP1L1-related condition. Last evaluated: 2026-06-22. Review status: criteria provided, single submitter. Criteria: ACMG Guidelines, 2015. Collection method: clinical testing. Allele origin: germline.
Comment: This variant is classified as likely benign based on ACMG/AMP sequence variant interpretation guidelines (Richards et al. 2015 PMID: 25741868, with internal and published modifications).

Dept Of Ophthalmology, Nagoya University
Classification: Uncertain significance for Retinal dystrophy. Last evaluated: 2023-10-01. Review status: criteria provided, single submitter. Criteria: Submitter's publication. Collection method: research. Allele origin: germline. Affected: yes.

Blueprint Genetics
Classification: Uncertain significance. Last evaluated: 2021-10-04. Review status: criteria provided, single submitter. Criteria: ACMG Guidelines, 2015. Collection method: clinical testing. Allele origin: germline.